The following is an entry in ClinVar:

NM_000262.3(NAGA):c.563G>C (p.Ser188Thr)

Genes: NAGA (alpha-N-acetylgalactosaminidase; minus strand), LOC126863160 (CDK7 strongly-dependent group 2 enhancer GRCh37_chr22:42462918-42464117; plus strand). Cytogenetic location: 22q13.2.
Variant type: single nucleotide variant.
Coding change: c.563G>C on transcript NM_000262.3 (MANE Select); coding-DNA position 563, G replaced by C.
Protein change: p.Ser188Thr; replaces serine 188 with threonine.
Molecular consequence: missense variant.
Genome position (GRCh38, 1-based): chr22:42,066,744, C>G on the plus strand (G>C on the coding strand, the complement: NAGA is on the minus strand). VCF-style: chr22-42066744-C-G. GRCh37 (hg19) VCF-style: chr22-42462748-C-G.
Other names: c.563G>C, p.Ser188Thr (NM_001362848.1, NM_001362850.1); short protein forms S188T.
Identifiers: ClinVar variation 2057108 (VCV002057108.4), dbSNP rs1432299051, ClinGen allele CA411768494.

ClinVar aggregate classification (germline): Uncertain significance (1 of 4 stars; one submission).

Conditions:
Alpha-N-acetylgalactosaminidase deficiency type 1. Also called: NAGA DEFICIENCY, TYPE I; NEUROAXONAL DYSTROPHY, SCHINDLER TYPE; SCHINDLER DISEASE, TYPE I; ALPHA-N-ACETYLGALACTOSAMINIDASE DEFICIENCY, TYPE I. Identifiers: Orphanet 3137, Orphanet 79279, Orphanet 79281, MedGen C1836544, MONDO:0012221, OMIM 609241.

Allele frequency attached by ClinVar (database versions not stated): TOPMed below 0.00001.

Submission:

Labcorp Genetics (formerly Invitae), Labcorp
Classification: Uncertain significance for Alpha-N-acetylgalactosaminidase deficiency type 1. Last evaluated: 2024-05-15. Review status: criteria provided, single submitter. Criteria: Invitae Variant Classification Sherloc (09022015). Collection method: clinical testing. Allele origin: germline.
Comment: This sequence change replaces serine, which is neutral and polar, with threonine, which is neutral and polar, at codon 188 of the NAGA protein (p.Ser188Thr). The frequency data for this variant in the population databases is considered unreliable, as metrics indicate poor data quality at this position in the gnomAD database. This variant has not been reported in the literature in individuals affected with NAGA-related conditions. ClinVar contains an entry for this variant (Variation ID: 2057108). Advanced modeling of protein sequence and biophysical properties (such as structural, functional, and spatial information, amino acid conservation, physicochemical variation, residue mobility, and thermodynamic stability) performed at Invitae indicates that this missense variant is not expected to disrupt NAGA protein function with a negative predictive value of 80%. In summary, the available evidence is currently insufficient to determine the role of this variant in disease. Therefore, it has been classified as a Variant of Uncertain Significance.